The following is an entry in ClinVar:

ClinVar aggregate classification (germline): Uncertain significance (1 of 4 stars; one submission).

gnomAD v4.1: 1 of 1,614,126 alleles (0.000062%); highest among the groups gnomAD compares: Admixed American, 0.0017%; no homozygotes.

Submission:

Ambry Genetics
Classification: Uncertain significance. Last evaluated: 2026-03-10. Review status: criteria provided, single submitter. Criteria: Ambry Variant Classification Scheme 2023. Collection method: clinical testing. Allele origin: germline.
Comment: The p.S708A variant (also known as c.2122T>G), located in coding exon 1 of the TET2 gene, results from a T to G substitution at nucleotide position 2122. The serine at codon 708 is replaced by alanine, an amino acid with similar properties. This amino acid position is conserved. In addition, this alteration is predicted to be tolerated by in silico analysis. Based on the available evidence, the clinical significance of this variant remains unclear.

NM_001127208.3(TET2):c.2122T>G (p.Ser708Ala)

Genes: TET2 (tet methylcytosine dioxygenase 2; plus strand), TET2-AS1 (TET2 antisense RNA 1; minus strand). Cytogenetic location: 4q24.
Variant type: single nucleotide variant.
Coding change: c.2122T>G on transcript NM_001127208.3 (MANE Select); coding-DNA position 2122, T replaced by G.
Protein change: p.Ser708Ala; replaces serine 708 with alanine.
Molecular consequence: missense variant.
Genome position (GRCh38, 1-based): chr4:105,236,064, T>G. VCF-style: chr4-105236064-T-G. GRCh37 (hg19) VCF-style: chr4-106157221-T-G.
Other names: c.2122T>G, p.Ser708Ala (NM_017628.4); short protein forms S708A.
Identifiers: ClinVar variation 4183069 (VCV004183069.2).
Genomic context (GRCh38, chr4:105,236,064, plus strand): 5'-GATTCCCAAACTGAAAAACTTATGTCCCCAGTGTTGAAACAGCACTTGAATCAACAGGCT[T>G]CAGAGACTGAGCCATTTTCAAACTCACACCTTTTGCAACATAAGCCTCATAAACAGGCAG-3'
Protein context (NP_001120680.1, residues 698-718): VLKQHLNQQA[Ser708Ala]ETEPFSNSHL